The following is an entry in ClinVar:

ClinVar aggregate classification (germline): Uncertain significance. Review status: criteria provided, multiple submitters, no conflicts (2 of 4 stars). 2 submissions from 2 submitters: Uncertain significance (2). Last evaluated 2025-04-22.

Conditions:
Costello syndrome (CSTLO). Also called: FACIOCUTANEOSKELETAL SYNDROME; HRAS-Related Costello Syndrome; FCS SYNDROME. Identifiers: Orphanet 3071, MedGen C0587248, MONDO:0009026, OMIM 218040.
Intellectual disability. Also called: Intellectual functioning disability; Intellectual developmental disorder; intellectual disabilities. Identifiers: MedGen C3714756, MeSH D008607, MONDO:0001071, HP:0001249.

gnomAD v4.1: 2 of 1,613,182 alleles (0.00012%); highest among the groups gnomAD compares: East Asian, 0.0022%; no homozygotes.

Submissions (2):

Labcorp Genetics (formerly Invitae), Labcorp
Classification: Uncertain significance for Costello syndrome. Last evaluated: 2025-04-22. Review status: criteria provided, single submitter. Criteria: Invitae Variant Classification Sherloc (09022015). Collection method: clinical testing. Allele origin: germline.
Comment: This sequence change replaces proline, which is neutral and non-polar, with leucine, which is neutral and non-polar, at codon 173 of the HRAS protein (p.Pro173Leu). This variant is not present in population databases (gnomAD no frequency). This variant has not been reported in the literature in individuals affected with HRAS-related conditions. ClinVar contains an entry for this variant (Variation ID: 462156). Invitae Evidence Modeling incorporating data from in vitro experimental studies (internal data) indicates that this missense variant is not expected to disrupt HRAS function with a negative predictive value of 95%. In summary, the available evidence is currently insufficient to determine the role of this variant in disease. Therefore, it has been classified as a Variant of Uncertain Significance.

Diagnostic Laboratory, Strasbourg University Hospital
Classification: Uncertain significance for Intellectual disability. Last evaluated: 2020-09-10. Review status: criteria provided, single submitter. Criteria: ACMG Guidelines, 2015. Collection method: clinical testing. Allele origin: maternal. Affected: yes. Observed: 1 heterozygote.

NM_005343.4(HRAS):c.518C>T (p.Pro173Leu)

Genes: HRAS (HRas proto-oncogene, GTPase; minus strand), LRRC56 (leucine rich repeat containing 56; plus strand). Cytogenetic location: 11p15.5.
Variant type: single nucleotide variant.
Coding change: c.518C>T on transcript NM_005343.4 (MANE Select); coding-DNA position 518, C replaced by T.
Protein change: p.Pro173Leu; replaces proline 173 with leucine.
Molecular consequence: missense variant. On other transcripts: 3 prime UTR variant (1).
Genome position (GRCh38, 1-based): chr11:532,688, G>A on the plus strand (C>T on the coding strand, the complement: HRAS is on the minus strand). VCF-style: chr11-532688-G-A. GRCh37 (hg19) VCF-style: chr11-532688-G-A.
Other names: c.518C>T, p.Pro173Leu (NM_001130442.3); c.281C>T, p.Pro94Leu (NM_001318054.2); c.*87C>T (NM_176795.5); short protein forms P173L, P94L.
Identifiers: ClinVar variation 462156 (VCV000462156.10), dbSNP rs1171786943, ClinGen allele CA378921066.
Genomic context (GRCh38, chr11:532,688, plus strand): 5'-CACCTGCGTCAGGAGAGCACACACTTGCAGCTCATGCAGCCGGGGCCACTCTCATCAGGA[G>A]GGTTCAGCTTCCGCAGCTTGTGCTGCCGGATCTCACGCACCAACGTGTAGAAGGCATCCT-3'
Protein context (NP_005334.1, residues 163-183): IRQHKLRKLN[Pro173Leu]PDESGPGCMS